The following is an entry in ClinVar:

ClinVar aggregate classification (germline): Uncertain significance (1 of 4 stars; one submission).

Conditions:
Myopathy, proximal, and ophthalmoplegia (CMYO6). Also called: MYOPATHY WITH CONGENITAL JOINT CONTRACTURES, OPHTHALMOPLEGIA, AND RIMMED VACUOLES; INCLUSION BODY MYOPATHY 3, AUTOSOMAL DOMINANT; CONGENITAL MYOPATHY 6 WITH OPHTHALMOPLEGIA. Identifiers: Orphanet 363677, Orphanet 79091, MedGen C1854106, MONDO:0011577, OMIM 605637.

Submission:

Labcorp Genetics (formerly Invitae), Labcorp
Classification: Uncertain significance for Myopathy, proximal, and ophthalmoplegia. Last evaluated: 2021-02-09. Review status: criteria provided, single submitter. Criteria: Invitae Variant Classification Sherloc (09022015). Collection method: clinical testing. Allele origin: germline.
Comment: In summary, the available evidence is currently insufficient to determine the role of this variant in disease. Therefore, it has been classified as a Variant of Uncertain Significance. Experimental studies and prediction algorithms are not available or were not evaluated, and the functional significance of this variant is currently unknown. This variant has not been reported in the literature in individuals with MYH2-related conditions. This variant is a gross deletion of the genomic region encompassing exon(s) 34-40 of the MYH2 gene. The 5' boundary is likely confined to intron 33. The 3' end of this event is unknown as it extends through the termination codon beyond the assayed region for this gene and may encompass additional genes. While this deletion is not anticipated to result in nonsense mediated decay, it is expected to create a truncated protein product or disrupt mRNA translation.

NC_000017.10:g.(?_10424587)_(10428392_?)del

Gene: MYH2 (myosin heavy chain 2; minus strand). Cytogenetic location: 17p13.1.
Variant type: Deletion.
Identifiers: ClinVar variation 1054451 (VCV001054451.3).